The following is an entry in ClinVar:

NM_002667.5(PLN):c.85C>T (p.Gln29Ter)

Genes: PLN (phospholamban; plus strand), CEP85L (centrosomal protein 85L; minus strand). Cytogenetic location: 6q22.31.
Variant type: single nucleotide variant.
Coding change: c.85C>T on transcript NM_002667.5 (MANE Select); coding-DNA position 85, C replaced by T.
Protein change: p.Gln29Ter; replaces glutamine 29 with a stop codon.
Molecular consequence: nonsense. On other transcripts: intron variant (3).
Genome position (GRCh38, 1-based): chr6:118,559,006, C>T. VCF-style: chr6-118559006-C-T. GRCh37 (hg19) VCF-style: chr6-118880169-C-T.
Other names: c.1029+6523G>A (NM_001178035.2); c.1020+6523G>A (NM_001042475.3, NM_206921.3); short protein forms Q29*.
Identifiers: ClinVar variation 949832 (VCV000949832.10), dbSNP rs1779072006, ClinGen allele CA365546360.

ClinVar aggregate classification (germline): Conflicting classifications of pathogenicity. Review status: criteria provided, conflicting classifications (1 of 4 stars). 2 submissions from 2 submitters: Pathogenic (1); Uncertain significance (1). Last evaluated 2023-12-26.

Conditions:
Cardiovascular phenotype. Identifiers: MedGen CN230736.
Dilated cardiomyopathy 1P (CMD1P). Identifiers: Orphanet 154, MedGen C1835928, MONDO:0012362, OMIM 609909.

Submissions (2):

Ambry Genetics
Classification: Uncertain significance for Cardiovascular phenotype. Last evaluated: 2023-12-26. Review status: criteria provided, single submitter. Criteria: Ambry Variant Classification Scheme 2023. Collection method: clinical testing. Allele origin: germline.
Comment: The p.Q29* variant (also known as c.85C>T), located in coding exon 1 of the PLN gene, results from a C to T substitution at nucleotide position 85. This changes the amino acid from a glutamine to a stop codon within coding exon 1. This alteration is expected to result in protein truncation or nonsense-mediated mRNA decay. However, loss of function of PLN has not been established as a mechanism of disease. Since supporting evidence is limited at this time, the clinical significance of this alteration remains unclear.

Labcorp Genetics (formerly Invitae), Labcorp
Classification: Pathogenic for Dilated cardiomyopathy 1P. Last evaluated: 2023-12-24. Review status: criteria provided, single submitter. Criteria: Invitae Variant Classification Sherloc (09022015). Collection method: clinical testing. Allele origin: germline.
Comment: This sequence change creates a premature translational stop signal (p.Gln29*) in the PLN gene. While this is not anticipated to result in nonsense mediated decay, it is expected to disrupt the last 24 amino acid(s) of the PLN protein. This variant is not present in population databases (gnomAD no frequency). This variant has not been reported in the literature in individuals affected with PLN-related conditions. ClinVar contains an entry for this variant (Variation ID: 949832). This variant disrupts a region of the PLN protein in which other variant(s) (p.Leu39*) have been determined to be pathogenic (PMID: 12639993, 17655857, 21167350, 25611685, 26535225, 27532257). This suggests that this is a clinically significant region of the protein, and that variants that disrupt it are likely to be disease-causing. For these reasons, this variant has been classified as Pathogenic.

Literature cited by the submitters: PubMed 12639993 (cited by Labcorp Genetics (formerly Invitae), Labcorp); PubMed 17655857 (cited by Labcorp Genetics (formerly Invitae), Labcorp); PubMed 21167350 (cited by Labcorp Genetics (formerly Invitae), Labcorp); PubMed 25611685 (cited by Labcorp Genetics (formerly Invitae), Labcorp); PubMed 26535225 (cited by Labcorp Genetics (formerly Invitae), Labcorp); PubMed 27532257 (cited by Labcorp Genetics (formerly Invitae), Labcorp).